The following is an entry in ClinVar:

ClinVar aggregate classification (germline): Uncertain significance (1 of 4 stars; one submission).

Conditions:
Glaucoma 3A. Also called: Glaucoma 3, primary congenital, A. Identifiers: Orphanet 98976, Orphanet 98977, MedGen C1856439, MONDO:0009277, OMIM 231300.

Submission:

3billion
Classification: Uncertain significance for Glaucoma 3A. Last evaluated: 2023-08-30. Review status: criteria provided, single submitter. Criteria: ACMG Guidelines, 2015. Collection method: clinical testing. Allele origin: germline. Affected: yes.
Comment: The variant is not observed in the gnomAD v2.1.1 dataset. Predicted Consequence/Location: Missense variant In silico tool predictions suggest damaging effect of the variant on gene or gene product [REVEL: 0.80 (>=0.6, sensitivity 0.68 and specificity 0.92)] A different missense change at the same codon (p.Leu385Phe) has been reported to be associated with CYP1B1 related disorder (PMID: 18070520). However the evidence of pathogenicity is insufficient at this time. Therefore, this variant is classified as VUS according to the recommendation of ACMG/AMP guideline.

Literature cited by the submitters: PubMed 18070520.

NM_000104.4(CYP1B1):c.1154T>G (p.Leu385Arg)

Gene: CYP1B1 (cytochrome P450 family 1 subfamily B member 1; minus strand). Cytogenetic location: 2p22.2.
Variant type: single nucleotide variant.
Coding change: c.1154T>G on transcript NM_000104.4 (MANE Select); coding-DNA position 1154, T replaced by G.
Protein change: p.Leu385Arg; replaces leucine 385 with arginine.
Molecular consequence: missense variant.
Genome position (GRCh38, 1-based): chr2:38,071,200, A>C on the plus strand (T>G on the coding strand, the complement: CYP1B1 is on the minus strand). VCF-style: chr2-38071200-A-C. GRCh37 (hg19) VCF-style: chr2-38298343-A-C.
Other names: short protein forms L385R.
Identifiers: ClinVar variation 3775509 (VCV003775509.1).